The following is an entry in ClinVar:

NM_006279.5(ST3GAL3):c.666C>T (p.Arg222=)

Gene: ST3GAL3 (ST3 beta-galactoside alpha-2,3-sialyltransferase 3; plus strand). Cytogenetic location: 1p34.1.
Variant type: single nucleotide variant.
Coding change: c.666C>T on transcript NM_006279.5 (MANE Select); coding-DNA position 666, C replaced by T.
Protein change: p.Arg222=; no amino-acid change (arginine 222 retained).
Molecular consequence: synonymous variant. On other transcripts: non-coding transcript variant (5), intron variant (7).
Genome position (GRCh38, 1-based): chr1:43,899,649, C>T. VCF-style: chr1-43899649-C-T. GRCh37 (hg19) VCF-style: chr1-44365321-C-T.
Other names: c.666C>T, p.Arg222= (NM_001270459.2, NM_001350620.2, NM_174966.4); c.573C>T, p.Arg191= (NM_001270460.2); c.618C>T, p.Arg206= (NM_001270461.3, NM_174969.4); c.525C>T, p.Arg175= (NM_001270462.3); c.711C>T, p.Arg237= (NM_001350619.2, NM_174964.4); c.387C>T, p.Arg129= (NM_001350621.2); c.828C>T, p.Arg276= (NM_001363573.2, NM_174968.5); c.873C>T, p.Arg291= (NM_174963.5); and 8 more.
Identifiers: ClinVar variation 502180 (VCV000502180.20), dbSNP rs773310944, ClinGen allele CA814773.
Genomic context (GRCh38, chr1:43,899,649, plus strand): 5'-AACGACACTGCGCATCACCTACCCCGAGGGCGCCATGCAGCGGCCTGAGCAGTACGAGCG[C>T]GATTCTCTCTTTGTCCTCGCCGGCTTCAAGTGGCAGGACTTTAAGTGGTTGAAATACATC-3'
Protein context (NP_006270.1, residues 212-232): GAMQRPEQYE[Arg222=]DSLFVLAGFK

ClinVar aggregate classification (germline): Conflicting classifications of pathogenicity. Review status: criteria provided, conflicting classifications (1 of 4 stars). 3 submissions from 3 submitters: Uncertain significance (1); Likely benign (2). Last evaluated 2025-10-01.

Conditions:
Early-infantile DEE. Also called: Early infantile epileptic encephalopathy with suppression bursts; Early infantile epileptic encephalopathy; Ohtahara syndrome. Identifiers: Orphanet 1934, MedGen C0393706, MONDO:0800491.

Allele frequency attached by ClinVar (database versions not stated): ExAC 0.00002.
gnomAD v4.1: 6 of 1,614,158 alleles (0.00037%); highest among the groups gnomAD compares: South Asian, 0.0022%; no homozygotes.

Submissions (3):

CeGaT Center for Human Genetics Tuebingen
Classification: Likely benign. Last evaluated: 2025-10-01. Review status: criteria provided, single submitter. Criteria: CeGaT Center For Human Genetics Tuebingen Variant Classification Criteria Version 2. Collection method: clinical testing. Allele origin: germline. Affected: yes. Observed: 1 variant allele.
Comment: ST3GAL3: BP4, BP7

Labcorp Genetics (formerly Invitae), Labcorp
Classification: Likely benign for Early-infantile DEE. Last evaluated: 2025-01-06. Review status: criteria provided, single submitter. Criteria: Invitae Variant Classification Sherloc (09022015). Collection method: clinical testing. Allele origin: germline.

Eurofins Ntd Llc (ga)
Classification: Uncertain significance. Last evaluated: 2017-06-01. Review status: criteria provided, single submitter. Criteria: EGL Classification Definitions 2015. Collection method: clinical testing. Allele origin: germline. Observed: 1 variant allele, 1 heterozygote.